The following is an entry in ClinVar:

ClinVar aggregate classification (germline): Uncertain significance (1 of 4 stars; one submission).

Conditions:
Hereditary spastic paraplegia 28. Also called: Spastic paraplegia 28, autosomal recessive. Identifiers: Orphanet 101008, MedGen C1836295, MONDO:0012256, OMIM 609340.

Allele frequency attached by ClinVar (database versions not stated): gnomAD 0.00003; gnomAD exomes 0.00010; ExAC 0.00025.
gnomAD v4.1: 138 of 1,576,550 alleles (0.0088%); highest among the groups gnomAD compares: East Asian, 0.3%; 4 homozygotes.

Submission:

Labcorp Genetics (formerly Invitae), Labcorp
Classification: Uncertain significance for Hereditary spastic paraplegia 28. Last evaluated: 2022-05-24. Review status: criteria provided, single submitter. Criteria: Invitae Variant Classification Sherloc (09022015). Collection method: clinical testing. Allele origin: germline.
Comment: This sequence change replaces serine, which is neutral and polar, with glycine, which is neutral and non-polar, at codon 113 of the DDHD1 protein (p.Ser113Gly). This variant is present in population databases (rs200797826, gnomAD 0.2%). This variant has not been reported in the literature in individuals affected with DDHD1-related conditions. Algorithms developed to predict the effect of missense changes on protein structure and function output the following: SIFT: "Tolerated"; PolyPhen-2: "Benign"; Align-GVGD: "Class C0". The glycine amino acid residue is found in multiple mammalian species, which suggests that this missense change does not adversely affect protein function. In summary, the available evidence is currently insufficient to determine the role of this variant in disease. Therefore, it has been classified as a Variant of Uncertain Significance.

NM_001160148.2(DDHD1):c.337A>G (p.Ser113Gly)

Gene: DDHD1 (DDHD domain containing 1; minus strand). Cytogenetic location: 14q22.1.
Variant type: single nucleotide variant.
Coding change: c.337A>G on transcript NM_001160148.2 (MANE Select); coding-DNA position 337, A replaced by G.
Protein change: p.Ser113Gly; replaces serine 113 with glycine.
Molecular consequence: missense variant.
Genome position (GRCh38, 1-based): chr14:53,152,762, T>C on the plus strand (A>G on the coding strand, the complement: DDHD1 is on the minus strand). VCF-style: chr14-53152762-T-C. GRCh37 (hg19) VCF-style: chr14-53619480-T-C.
Other names: c.337A>G, p.Ser113Gly (NM_001160147.2, NM_030637.3); short protein forms S113G.
Identifiers: ClinVar variation 2141668 (VCV002141668.4), dbSNP rs200797826, ClinGen allele CA7191526.